The following is an entry in ClinVar:

NM_001286577.2(C2CD3):c.519C>A (p.Tyr173Ter)

Gene: C2CD3 (C2 domain containing 3 centriole elongation regulator; minus strand). Cytogenetic location: 11q13.4.
Variant type: single nucleotide variant.
Coding change: c.519C>A on transcript NM_001286577.2 (MANE Select); coding-DNA position 519, C replaced by A.
Protein change: p.Tyr173Ter; replaces tyrosine 173 with a stop codon.
Molecular consequence: nonsense.
Genome position (GRCh38, 1-based): chr11:74,139,793, G>T on the plus strand (C>A on the coding strand, the complement: C2CD3 is on the minus strand). VCF-style: chr11-74139793-G-T. GRCh37 (hg19) VCF-style: chr11-73850838-G-T.
Other names: c.519C>A, p.Tyr173Ter (NM_015531.6); short protein forms Y173*.
Identifiers: ClinVar variation 3604358 (VCV003604358.2).
Genomic context (GRCh38, chr11:74,139,793, plus strand): 5'-CTGCTTAGATAAAAGCACATTTTCTGTCATGTCAGTGGTAGGAAGTGGATGGTAGCTGTC[G>T]TAAGTTTCTGACAGAGGTTCCAGGGCAAGTGAGACCTAAGAGAGACAGGTAGTATATGAG-3'

ClinVar aggregate classification (germline): Pathogenic (1 of 4 stars; one submission).

gnomAD v4.1: 9 of 1,613,244 alleles (0.00056%); highest among the groups gnomAD compares: Non-Finnish European, 0.00076%; no homozygotes.

Submission:

Labcorp Genetics (formerly Invitae), Labcorp
Classification: Pathogenic. Last evaluated: 2026-01-12. Review status: criteria provided, single submitter. Criteria: Invitae Variant Classification Sherloc (09022015). Collection method: clinical testing. Allele origin: germline.
Comment: This sequence change creates a premature translational stop signal (p.Tyr173*) in the C2CD3 gene. It is expected to result in an absent or disrupted protein product. Loss-of-function variants in C2CD3 are known to be pathogenic (PMID: 24997988, 26477546). This variant is present in population databases (rs370615429, gnomAD 0.004%). This variant has not been reported in the literature in individuals affected with C2CD3-related conditions. ClinVar contains an entry for this variant (Variation ID: 3604358). For these reasons, this variant has been classified as Pathogenic.

Literature cited by the submitters: PubMed 24997988; PubMed 26477546.